The following is an entry in ClinVar:

NM_000433.4(NCF2):c.*398G>T

Gene: NCF2 (neutrophil cytosolic factor 2; minus strand). Cytogenetic location: 1q25.3.
Variant type: single nucleotide variant.
Coding change: c.*398G>T on transcript NM_000433.4 (MANE Select); 398 bases downstream of the stop codon, G replaced by T.
Molecular consequence: 3 prime UTR variant.
Genome position (GRCh38, 1-based): chr1:183,555,720, C>A on the plus strand (G>T on the coding strand, the complement: NCF2 is on the minus strand). VCF-style: chr1-183555720-C-A. GRCh37 (hg19) VCF-style: chr1-183524855-C-A.
Other names: c.*398G>T (NM_001127651.3, NM_001190789.2, NM_001190794.2).
Identifiers: ClinVar variation 294066 (VCV000294066.6), dbSNP rs796860, ClinGen allele CA10608449.

ClinVar aggregate classification (germline): Benign. Review status: criteria provided, multiple submitters, no conflicts (2 of 4 stars). 2 submissions from 2 submitters: Benign (2). Last evaluated 2018-01-13.

Conditions:
Granulomatous disease, chronic, autosomal recessive, cytochrome b-positive, type 2. Also called: CGD, AUTOSOMAL RECESSIVE CYTOCHROME b-POSITIVE, TYPE II; GRANULOMATOUS DISEASE, CHRONIC, DUE TO NCF2 DEFICIENCY; GRANULOMATOUS DISEASE, CHRONIC, AUTOSOMAL RECESSIVE, 2; Chronic granulomatous disease due to deficiency of NCF-2; Chronic Granulomatous Disease, Autosomal Recessive, Cytochrome b-Positive, Type II. Identifiers: Orphanet 379, MedGen C1856245, MONDO:0009310, OMIM 233710.

Allele frequency attached by ClinVar (database versions not stated): gnomAD exomes 0.89557; gnomAD 0.89972 and 0.90206; TOPMed 0.90252; 1000 Genomes Project 0.93930; 1000 Genomes Project 30x 0.93973.
gnomAD v4.1: 185,451 of 206,112 alleles (90%); highest among the groups gnomAD compares: East Asian, 100%; 83,646 homozygotes.

Submissions (2):

Illumina Laboratory Services, Illumina
Classification: Benign for Granulomatous disease, chronic, autosomal recessive, cytochrome b-positive, type 2. Last evaluated: 2018-01-13. Review status: criteria provided, single submitter. Criteria: ICSL Variant Classification Criteria 13 December 2019. Collection method: clinical testing. Allele origin: germline.
Comment: This variant was observed in the ICSL laboratory as part of a predisposition screen in an ostensibly healthy population. It had not been previously curated by ICSL or reported in the Human Gene Mutation Database (HGMD: prior to June 1st, 2018), and was therefore a candidate for classification through an automated scoring system. Utilizing variant allele frequency, disease prevalence and penetrance estimates, and inheritance mode, an automated score was calculated to assess if this variant is too frequent to cause the disease. Based on the score and internal cut-off values, a variant classified as benign is not then subjected to further curation. The score for this variant resulted in a classification of benign for this disease.

Breakthrough Genomics
Classification: Benign. Review status: criteria provided, single submitter. Criteria: ACMG Guidelines, 2015. Collection method: not provided. Allele origin: germline. Inheritance: Autosomal recessive inheritance. Affected: yes.